The following is an entry in ClinVar:

ClinVar aggregate classification (germline): Uncertain significance (1 of 4 stars; one submission).

Conditions:
RYR1-related disorder. Also called: RYR1-related condition; RYR1-related disorders. Identifiers: MedGen CN239331.

Submission:

Labcorp Genetics (formerly Invitae), Labcorp
Classification: Uncertain significance for RYR1-related disorder. Last evaluated: 2025-08-10. Review status: criteria provided, single submitter. Criteria: Invitae Variant Classification Sherloc (09022015). Collection method: clinical testing. Allele origin: germline.
Comment: This variant, c.12655_12656insTGGTGAACG, results in the insertion of 3 amino acid(s) of the RYR1 protein (p.Phe4218_Asp4219insValValAsn), but otherwise preserves the integrity of the reading frame. This variant is not present in population databases (gnomAD no frequency). This variant has not been reported in the literature in individuals affected with RYR1-related conditions. In summary, the available evidence is currently insufficient to determine the role of this variant in disease. Therefore, it has been classified as a Variant of Uncertain Significance.

NM_000540.3(RYR1):c.12655_12656insTGGTGAACG (p.Phe4218_Asp4219insValValAsn)

Gene: RYR1 (ryanodine receptor 1; plus strand). Cytogenetic location: 19q13.2.
Variant type: Insertion.
Coding change: c.12655_12656insTGGTGAACG on transcript NM_000540.3 (MANE Select); coding-DNA positions 12655 to 12656, TGGTGAACG inserted.
Protein change: p.Phe4218_Asp4219insValValAsn.
Molecular consequence: inframe insertion.
Genome position: GRCh38 VCF-style: chr19-38564987-T-TCGTGGTGAA. GRCh37 (hg19) VCF-style: chr19-39055627-T-TCGTGGTGAA.
Other names: c.12640_12641insTGGTGAACG, p.Phe4213_Asp4214insValValAsn (NM_001042723.2).
Identifiers: ClinVar variation 4725139 (VCV004725139.1).